The following is an entry in ClinVar:

NM_001347721.2(DYRK1A):c.726C>G (p.Asn242Lys)

Gene: DYRK1A (dual specificity tyrosine phosphorylation regulated kinase 1A; plus strand). Cytogenetic location: 21q22.13.
Variant type: single nucleotide variant.
Coding change: c.726C>G on transcript NM_001347721.2 (MANE Select); coding-DNA position 726, C replaced by G.
Protein change: p.Asn242Lys; replaces asparagine 242 with lysine.
Molecular consequence: missense variant.
Genome position (GRCh38, 1-based): chr21:37,490,263, C>G. VCF-style: chr21-37490263-C-G. GRCh37 (hg19) VCF-style: chr21-38862565-C-G.
Other names: c.726C>G, p.Asn242Lys (NM_001347722.2, NM_130436.2); c.639C>G, p.Asn213Lys (NM_001347723.2); c.753C>G, p.Asn251Lys (NM_001396.5, NM_101395.2, NM_130438.2); short protein forms N213K, N242K, N251K.
Identifiers: ClinVar variation 3899092 (VCV003899092.1).

ClinVar aggregate classification (germline): Uncertain significance (1 of 4 stars; one submission).

Submission:

GeneDx
Classification: Uncertain significance. Last evaluated: 2024-11-06. Review status: criteria provided, single submitter. Criteria: GeneDx Variant Classification Process June 2021. Collection method: clinical testing. Allele origin: germline. Affected: yes.
Comment: Not observed at significant frequency in large population cohorts (gnomAD); In silico analysis supports that this missense variant has a deleterious effect on protein structure/function; Has not been previously published as pathogenic or benign to our knowledge